The following is an entry in ClinVar:

NM_001205293.3(CACNA1E):c.6347G>A (p.Arg2116His)

Gene: CACNA1E (calcium voltage-gated channel subunit alpha1 E; plus strand). Cytogenetic location: 1q25.3.
Variant type: single nucleotide variant.
Coding change: c.6347G>A on transcript NM_001205293.3 (MANE Select); coding-DNA position 6347, G replaced by A.
Protein change: p.Arg2116His; replaces arginine 2116 with histidine.
Molecular consequence: missense variant.
Genome position (GRCh38, 1-based): chr1:181,796,806, G>A. VCF-style: chr1-181796806-G-A. GRCh37 (hg19) VCF-style: chr1-181765942-G-A.
Other names: c.6218G>A, p.Arg2073His (NM_000721.4); c.6161G>A, p.Arg2054His (NM_001205294.2); short protein forms R2054H, R2073H, R2116H.
Identifiers: ClinVar variation 1304749 (VCV001304749.16), dbSNP rs372520364, ClinGen allele CA1276381.
Genomic context (GRCh38, chr1:181,796,806, plus strand): 5'-ATGTCTCCCGCTGCAATTCAGAAGAGCGAGGGACCCAGGCTGACTGGGAGTCCCCAGAGC[G>A]CCGTCAATCCAGGTCACCCAGTGAGGGCAGGTCACAGACGCCCAACAGACAGGTGAGCGC-3'
Protein context (NP_001192222.1, residues 2106-2126): GTQADWESPE[Arg2116His]RQSRSPSEGR

ClinVar aggregate classification (germline): Benign/Likely benign. Review status: criteria provided, multiple submitters, no conflicts (2 of 4 stars). 6 submissions from 6 submitters: Benign (2); Likely benign (4). Last evaluated 2026-08-01.

Conditions:
Developmental and epileptic encephalopathy, 69. Also called: EPILEPTIC ENCEPHALOPATHY, EARLY INFANTILE, 69. Identifiers: MedGen C4748988, MONDO:0032657, OMIM 618285.

Allele frequency attached by ClinVar (database versions not stated): gnomAD 0.00006 and 0.00031; ESP Exome Variant Server 0.00008; TOPMed 0.00008; gnomAD exomes 0.00045 and 0.00080; ExAC 0.00113; 1000 Genomes Project 30x 0.00250; 1000 Genomes Project 0.00280.
gnomAD v4.1: 701 of 1,610,132 alleles (0.044%); highest among the groups gnomAD compares: South Asian, 0.68%; 4 homozygotes.

Submissions (6):

CeGaT Center for Human Genetics Tuebingen
Classification: Likely benign. Last evaluated: 2026-08-01. Review status: criteria provided, single submitter. Criteria: CeGaT Center For Human Genetics Tuebingen Variant Classification Criteria Version 2. Collection method: clinical testing. Allele origin: germline. Affected: yes. Observed: 2 variant alleles.
Comment: CACNA1E: BS1

Labcorp Genetics (formerly Invitae), Labcorp
Classification: Benign. Last evaluated: 2025-12-30. Review status: criteria provided, single submitter. Criteria: Invitae Variant Classification Sherloc (09022015). Collection method: clinical testing. Allele origin: germline.

Blueprint Genetics
Classification: Likely benign. Last evaluated: 2024-11-06. Review status: criteria provided, single submitter. Criteria: ACMG Guidelines, 2015. Collection method: clinical testing. Allele origin: germline.

Genome-Nilou Lab
Classification: Likely benign for Developmental and epileptic encephalopathy, 69. Last evaluated: 2023-04-11. Review status: criteria provided, single submitter. Criteria: ACMG Guidelines, 2015. Collection method: clinical testing. Allele origin: germline. Affected: no.

Fulgent Genetics
Classification: Likely benign for Developmental and epileptic encephalopathy, 69. Last evaluated: 2022-03-04. Review status: criteria provided, single submitter. Criteria: ACMG Guidelines, 2015. Collection method: clinical testing. Allele origin: unknown.

GeneDx
Classification: Benign. Last evaluated: 2021-07-03. Review status: criteria provided, single submitter. Criteria: GeneDx Variant Classification Process June 2021. Collection method: clinical testing. Allele origin: germline. Affected: yes.